The following is an entry in ClinVar:

NM_000264.5(PTCH1):c.73G>C (p.Gly25Arg)

Genes: PTCH1 (patched 1; minus strand), LOC130002133 (ATAC-STARR-seq lymphoblastoid silent region 20071; plus strand). Cytogenetic location: 9q22.32.
Variant type: single nucleotide variant.
Coding change: c.73G>C on transcript NM_000264.5 (MANE Select); coding-DNA position 73, G replaced by C.
Protein change: p.Gly25Arg; replaces glycine 25 with arginine.
Molecular consequence: missense variant. On other transcripts: non-coding transcript variant (1), intron variant (3).
Genome position (GRCh38, 1-based): chr9:95,508,289, C>G on the plus strand (G>C on the coding strand, the complement: PTCH1 is on the minus strand). VCF-style: chr9-95508289-C-G. GRCh37 (hg19) VCF-style: chr9-98270571-C-G.
Other names: c.73G>C, p.Gly25Arg (NM_001354918.2); c.199-1690G>C (NM_001083603.3); c.4-1690G>C (NM_001083602.3, NM_001354919.2); short protein forms G25R.
Identifiers: ClinVar variation 3231056 (VCV003231056.1), dbSNP rs1843902765, ClinGen allele CA374121474.

ClinVar aggregate classification (germline): Uncertain significance (1 of 4 stars; one submission).

Conditions:
Hereditary cancer-predisposing syndrome. Also called: Neoplastic Syndromes, Hereditary; Tumor predisposition; Hereditary neoplastic syndrome; Hereditary Cancer Syndrome. Identifiers: Orphanet 140162, MedGen C0027672, MeSH D009386, MONDO:0015356.

Submission:

Ambry Genetics
Classification: Uncertain significance for Hereditary cancer-predisposing syndrome. Last evaluated: 2023-12-09. Review status: criteria provided, single submitter. Criteria: Ambry Variant Classification Scheme 2023. Collection method: clinical testing. Allele origin: germline.
Comment: The p.G25R variant (also known as c.73G>C), located in coding exon 1 of the PTCH1 gene, results from a G to C substitution at nucleotide position 73. The glycine at codon 25 is replaced by arginine, an amino acid with dissimilar properties. This amino acid position is conserved. In addition, this alteration is predicted to be tolerated by in silico analysis. Since supporting evidence is limited at this time, the clinical significance of this alteration remains unclear.